The following is an entry in ClinVar:

ClinVar aggregate classification (germline): Uncertain significance (1 of 4 stars; one submission).

Allele frequency attached by ClinVar (database versions not stated): gnomAD exomes below 0.00001; TOPMed 0.00002.
gnomAD v4.1: 1 of 1,503,762 alleles (0.000066%); highest among the groups gnomAD compares: Admixed American, 0.0024%; no homozygotes.

Submission:

Labcorp Genetics (formerly Invitae), Labcorp
Classification: Uncertain significance. Last evaluated: 2022-05-11. Review status: criteria provided, single submitter. Criteria: Invitae Variant Classification Sherloc (09022015). Collection method: clinical testing. Allele origin: germline.
Comment: This sequence change replaces serine, which is neutral and polar, with proline, which is neutral and non-polar, at codon 650 of the HELLS protein (p.Ser650Pro). The frequency data for this variant in the population databases is considered unreliable, as metrics indicate poor data quality at this position in the gnomAD database. This variant has not been reported in the literature in individuals affected with HELLS-related conditions. Algorithms developed to predict the effect of missense changes on protein structure and function are either unavailable or do not agree on the potential impact of this missense change (SIFT: "Deleterious"; PolyPhen-2: "Benign"; Align-GVGD: "Class C0"). In summary, the available evidence is currently insufficient to determine the role of this variant in disease. Therefore, it has been classified as a Variant of Uncertain Significance.

NM_018063.5(HELLS):c.1948T>C (p.Ser650Pro)

Gene: HELLS (helicase, lymphoid specific; plus strand). Cytogenetic location: 10q23.33.
Variant type: single nucleotide variant.
Coding change: c.1948T>C on transcript NM_018063.5 (MANE Select); coding-DNA position 1948, T replaced by C.
Protein change: p.Ser650Pro; replaces serine 650 with proline.
Molecular consequence: missense variant.
Genome position (GRCh38, 1-based): chr10:94,592,491, T>C. VCF-style: chr10-94592491-T-C. GRCh37 (hg19) VCF-style: chr10-96352248-T-C.
Other names: c.2086T>C, p.Ser696Pro (NM_001289067.2); c.1900T>C, p.Ser634Pro (NM_001289068.2); c.1852T>C, p.Ser618Pro (NM_001289069.2); c.1654T>C, p.Ser552Pro (NM_001289070.2); c.1576T>C, p.Ser526Pro (NM_001289071.2); c.1558T>C, p.Ser520Pro (NM_001289072.2); c.1534T>C, p.Ser512Pro (NM_001289073.2); c.865T>C, p.Ser289Pro (NM_001289074.2); and 1 more; short protein forms S289P, S552P, S244P, S526P, S634P, S512P, S650P, S520P.
Identifiers: ClinVar variation 1929932 (VCV001929932.2), dbSNP rs1339321095, ClinGen allele CA377667330.